The following is an entry in ClinVar:

NM_000421.5(KRT10):c.1524C>G (p.Ser508Arg)

Gene: KRT10 (keratin 10; minus strand). Cytogenetic location: 17q21.2.
Variant type: single nucleotide variant.
Coding change: c.1524C>G on transcript NM_000421.5 (MANE Select); coding-DNA position 1524, C replaced by G.
Protein change: p.Ser508Arg; replaces serine 508 with arginine.
Molecular consequence: missense variant.
Genome position (GRCh38, 1-based): chr17:40,819,011, G>C on the plus strand (C>G on the coding strand, the complement: KRT10 is on the minus strand). VCF-style: chr17-40819011-G-C. GRCh37 (hg19) VCF-style: chr17-38975263-G-C.
Other names: c.1524C>G (NM_000421.3); c.1524C>G, p.Ser508Arg (NM_001379366.1); short protein forms S508R.
Identifiers: ClinVar variation 1600527 (VCV001600527.12), dbSNP rs770578877, ClinGen allele CA8547987.

ClinVar aggregate classification (germline): Benign. Review status: criteria provided, multiple submitters, no conflicts (2 of 4 stars). 3 submissions from 3 submitters: Benign (2). 1 of the submissions does not count toward it. Last evaluated 2025-12-25.

Conditions:
KRT10-related disorder. Also called: KRT10-related condition.

Allele frequency attached by ClinVar (database versions not stated): gnomAD 0.00479 and 0.00497.
gnomAD v4.1: 1,221 of 1,263,310 alleles (0.097%); highest among the groups gnomAD compares: African/African-American, 1.7%; 7 homozygotes.

Submissions (5):

Labcorp Genetics (formerly Invitae), Labcorp
Classification: Benign. Last evaluated: 2025-12-25. Review status: criteria provided, single submitter. Criteria: Invitae Variant Classification Sherloc (09022015). Collection method: clinical testing. Allele origin: germline.

Breakthrough Genomics
Classification: Benign. Review status: criteria provided, single submitter. Criteria: ACMG Guidelines, 2015. Collection method: not provided. Allele origin: germline. Inheritance: Autosomal dominant inheritance. Affected: yes.

PreventionGenetics, part of Exact Sciences
Classification: Benign for KRT10-related condition. Last evaluated: 2024-01-10. Review status: no assertion criteria provided. Collection method: clinical testing. Allele origin: germline. Not counted in ClinVar's aggregate classification.
Comment: This variant is classified as benign based on ACMG/AMP sequence variant interpretation guidelines (Richards et al. 2015 PMID: 25741868, with internal and published modifications).

Dr. Peter K. Rogan Lab, Western University
No classification provided (evidence only). Condition: Sarcoma. Review status: no classification provided. Collection method: in vitro. Allele origin: not applicable. Functional consequence: retained intron. Not counted in ClinVar's aggregate classification.

Dr. Peter K. Rogan Lab, Western University
No classification provided (evidence only). Condition: Sarcoma. Review status: no classification provided. Collection method: in vitro. Allele origin: not applicable. Functional consequence: retained intron. Not counted in ClinVar's aggregate classification.